The following is an entry in ClinVar:

ClinVar aggregate classification (germline): Uncertain significance (1 of 4 stars; one submission).

Conditions:
Malignant hyperthermia, susceptibility to, 5 (MHS5). Also called: CACNA1S-Related Malignant Hyperthermia Susceptibility. Identifiers: Orphanet 423, MedGen C1866077, MONDO:0011163, OMIM 601887.

Allele frequency attached by ClinVar (database versions not stated): gnomAD exomes below 0.00001.
gnomAD v4.1: 1 of 1,614,136 alleles (0.000062%); highest among the groups gnomAD compares: East Asian, 0.0022%; no homozygotes.

Submission:

All of Us Research Program, National Institutes of Health
Classification: Uncertain significance for Malignant hyperthermia, susceptibility to, 5. Last evaluated: 2024-01-03. Review status: criteria provided, single submitter. Criteria: ACMG Guidelines, 2015. Collection method: clinical testing. Allele origin: germline. Inheritance: Autosomal dominant inheritance. Observed: 1 variant allele, 1 heterozygote.
Comment: This missense variant replaces serine with alanine at codon 1026 of the CACNA1S protein. Computational prediction suggests that this variant may not impact protein structure and function (internally defined REVEL score threshold <= 0.5, PMID: 27666373). To our knowledge, functional studies have not been reported for this variant. This variant has not been reported in individuals affected with CACNA1S-related disorders in the literature. This variant has been identified in 1/251244 chromosomes in the general population by the Genome Aggregation Database (gnomAD). The available evidence is insufficient to determine the role of this variant in disease conclusively. Therefore, this variant is classified as a Variant of Uncertain Significance.

This study involves interpretation of variants in research participants for the purpose of population health screening. Participant phenotype was not available at the time of variant classification. Additional details can be found in publication PMID: 35346344, PMCID: PMC8962531

NM_000069.3(CACNA1S):c.3076T>G (p.Ser1026Ala)

Gene: CACNA1S (calcium voltage-gated channel subunit alpha1 S; minus strand). Cytogenetic location: 1q32.1.
Variant type: single nucleotide variant.
Coding change: c.3076T>G on transcript NM_000069.3 (MANE Select); coding-DNA position 3076, T replaced by G.
Protein change: p.Ser1026Ala; replaces serine 1026 with alanine.
Molecular consequence: missense variant.
Genome position (GRCh38, 1-based): chr1:201,061,446, A>C on the plus strand (T>G on the coding strand, the complement: CACNA1S is on the minus strand). VCF-style: chr1-201061446-A-C. GRCh37 (hg19) VCF-style: chr1-201030574-A-C.
Other names: short protein forms S1026A.
Identifiers: ClinVar variation 3075283 (VCV003075283.1), dbSNP rs1186406650, ClinGen allele CA344162880.